The following is an entry in ClinVar:

ClinVar aggregate classification (germline): Pathogenic (1 of 4 stars; one submission).

Conditions:
Familial thoracic aortic aneurysm and aortic dissection (TAAD). Also called: Thoracic aortic aneurysms and dissections. Identifiers: Orphanet 91387, MedGen C4707243, MONDO:0019625.
Marfan syndrome (MFS). Also called: FBN1-Related Marfan Syndrome; Marfan's syndrome; MARFAN SYNDROME, TYPE I; Marfan syndrome type 1; Marfan syndrome, classic. Identifiers: Orphanet 284963, Orphanet 558, MedGen C0024796, MONDO:0007947, OMIM 154700.

Submission:

Labcorp Genetics (formerly Invitae), Labcorp
Classification: Pathogenic for Marfan syndrome; Familial thoracic aortic aneurysm and aortic dissection. Last evaluated: 2019-05-15. Review status: criteria provided, single submitter. Criteria: Invitae Variant Classification Sherloc (09022015). Collection method: clinical testing. Allele origin: germline.
Comment: For these reasons, this variant has been classified as Pathogenic. Donor and acceptor splice site variants typically lead to a loss of protein function (PMID: 16199547), and loss-of-function variants in FBN1 are known to be pathogenic (PMID: 17657824, 19293843). This variant is not present in population databases (ExAC no frequency). This sequence change affects a donor splice site in intron 53 of the FBN1 gene. It is expected to disrupt RNA splicing and likely results in an absent or disrupted protein product.

Literature cited by the submitters: PubMed 16199547; PubMed 17657824; PubMed 19293843.

NM_000138.5(FBN1):c.6496+1G>T

Gene: FBN1 (fibrillin 1; minus strand). Cytogenetic location: 15q21.1.
Variant type: single nucleotide variant.
Coding change: c.6496+1G>T on transcript NM_000138.5 (MANE Select); the canonical splice donor site of the intron after coding-DNA position 6496, G replaced by T.
Molecular consequence: splice donor variant.
Genome position (GRCh38, 1-based): chr15:48,436,960, C>A on the plus strand (G>T on the coding strand, the complement: FBN1 is on the minus strand). VCF-style: chr15-48436960-C-A. GRCh37 (hg19) VCF-style: chr15-48729157-C-A.
Other names: c.6496+1G>T (NM_001406716.1).
Identifiers: ClinVar variation 863764 (VCV000863764.10), dbSNP rs1555395188, ClinGen allele CA392336221.
Genomic context (GRCh38, chr15:48,436,960, plus strand): 5'-AATACTGTATAGCTTAATTTTTAATTTGTAAAGTTCCTATGGAAGAAAACTTATTACTCA[C>A]CTACACATTCATTCCCTGCTAGAATATAACCAAAGGGACACTCGCAGCGATAGGAACCAT-3'